The following is an entry in ClinVar:

ClinVar aggregate classification (germline): Uncertain significance (1 of 4 stars; one submission).

Conditions:
Hereditary cancer-predisposing syndrome. Also called: Tumor predisposition; Hereditary neoplastic syndrome; Neoplastic Syndromes, Hereditary; Hereditary Cancer Syndrome. Identifiers: Orphanet 140162, MedGen C0027672, MeSH D009386, MONDO:0015356.

Submission:

Labcorp Genetics (formerly Invitae), Labcorp
Classification: Uncertain significance for Hereditary cancer-predisposing syndrome. Last evaluated: 2019-05-20. Review status: criteria provided, single submitter. Criteria: Invitae Variant Classification Sherloc (09022015). Collection method: clinical testing. Allele origin: germline.
Comment: In summary, the available evidence is currently insufficient to determine the role of this variant in disease. Therefore, it has been classified as a Variant of Uncertain Significance. Algorithms developed to predict the effect of missense changes on protein structure and function (SIFT, PolyPhen-2, Align-GVGD) all suggest that this variant is likely to be tolerated, but these predictions have not been confirmed by published functional studies and their clinical significance is uncertain. This variant has not been reported in the literature in individuals with RAD50-related conditions. This variant is not present in population databases (ExAC no frequency). This sequence change replaces aspartic acid with valine at codon 641 of the RAD50 protein (p.Asp641Val). The aspartic acid residue is moderately conserved and there is a large physicochemical difference between aspartic acid and valine.

NM_005732.4(RAD50):c.1922A>T (p.Asp641Val)

Gene: RAD50 (RAD50 double strand break repair protein; plus strand). Cytogenetic location: 5q31.1.
Variant type: single nucleotide variant.
Coding change: c.1922A>T on transcript NM_005732.4 (MANE Select); coding-DNA position 1922, A replaced by T.
Protein change: p.Asp641Val; replaces aspartic acid 641 with valine.
Molecular consequence: missense variant.
Genome position (GRCh38, 1-based): chr5:132,594,997, A>T. VCF-style: chr5-132594997-A-T. GRCh37 (hg19) VCF-style: chr5-131930689-A-T.
Other names: short protein forms D641V.
Identifiers: ClinVar variation 949849 (VCV000949849.10), dbSNP rs1750764529, ClinGen allele CA360948261.
Genomic context (GRCh38, chr5:132,594,997, plus strand): 5'-AGTTGTCCAGTTACGAAGACAAGCTGTTTGATGTTTGTGGTAGCCAGGATTTTGAAAGTG[A>T]TTTAGACAGGCTTAAAGAGGAAATTGAAAAATCATCAAAACAGCGAGGTAAGTTGTCTAC-3'
Protein context (NP_005723.2, residues 631-651): DVCGSQDFES[Asp641Val]LDRLKEEIEK